The following is an entry in ClinVar:

NM_015506.3(MMACHC):c.547G>A (p.Val183Ile)

Gene: MMACHC (metabolism of cobalamin associated C; plus strand). Cytogenetic location: 1p34.1.
Variant type: single nucleotide variant.
Coding change: c.547G>A on transcript NM_015506.3 (MANE Select); coding-DNA position 547, G replaced by A.
Protein change: p.Val183Ile; replaces valine 183 with isoleucine.
Molecular consequence: missense variant.
Genome position (GRCh38, 1-based): chr1:45,508,913, G>A. VCF-style: chr1-45508913-G-A. GRCh37 (hg19) VCF-style: chr1-45974585-G-A.
Other names: c.376G>A, p.Val126Ile (NM_001330540.2); short protein forms V183I, V126I.
Identifiers: ClinVar variation 1920833 (VCV001920833.5), dbSNP rs2522827509, ClinGen allele CA340133401.

ClinVar aggregate classification (germline): Uncertain significance (1 of 4 stars; one submission).

Conditions:
Cobalamin C disease. Also called: Methylmalonic aciduria and homocystinuria, Vitamin B12-responsive; Vitamin B12 metabolic defect with combined deficiency of methylmalonyl-CoA mutase and homocysteine:methyltetrahydrofolate methyltransferase; Methylmalonic aciduria with homocystinuria cblC type; Cobalamin-C methylmalonic acidemia and homocystinuria; Methylmalonic acidemia and homocystinuria cblC type; methylmalonic aciduria and homocystinuria type cblC. Identifiers: Orphanet 26, Orphanet 79282, MedGen C1848561, MONDO:0010184, OMIM 277400.

Submission:

Labcorp Genetics (formerly Invitae), Labcorp
Classification: Uncertain significance for Cobalamin C disease. Last evaluated: 2024-11-11. Review status: criteria provided, single submitter. Criteria: Invitae Variant Classification Sherloc (09022015). Collection method: clinical testing. Allele origin: germline.
Comment: This sequence change replaces valine, which is neutral and non-polar, with isoleucine, which is neutral and non-polar, at codon 183 of the MMACHC protein (p.Val183Ile). This variant is not present in population databases (gnomAD no frequency). This variant has not been reported in the literature in individuals affected with MMACHC-related conditions. ClinVar contains an entry for this variant (Variation ID: 1920833). Invitae Evidence Modeling of protein sequence and biophysical properties (such as structural, functional, and spatial information, amino acid conservation, physicochemical variation, residue mobility, and thermodynamic stability) has been performed for this missense variant. However, the output from this modeling did not meet the statistical confidence thresholds required to predict the impact of this variant on MMACHC protein function. In summary, the available evidence is currently insufficient to determine the role of this variant in disease. Therefore, it has been classified as a Variant of Uncertain Significance.